The following is an entry in ClinVar:

NM_014875.3(KIF14):c.1860A>G (p.Leu620=)

Gene: KIF14 (kinesin family member 14; minus strand). Cytogenetic location: 1q32.1.
Variant type: single nucleotide variant.
Coding change: c.1860A>G on transcript NM_014875.3 (MANE Select); coding-DNA position 1860, A replaced by G.
Protein change: p.Leu620=; no amino-acid change (leucine 620 retained).
Molecular consequence: synonymous variant.
Genome position (GRCh38, 1-based): chr1:200,603,842, T>C on the plus strand (A>G on the coding strand, the complement: KIF14 is on the minus strand). VCF-style: chr1-200603842-T-C. GRCh37 (hg19) VCF-style: chr1-200572970-T-C.
Other names: c.387A>G, p.Leu129= (NM_001305792.1).
Identifiers: ClinVar variation 739969 (VCV000739969.35), dbSNP rs150703642, ClinGen allele CA1317698.

ClinVar aggregate classification (germline): Benign/Likely benign. Review status: criteria provided, multiple submitters, no conflicts (2 of 4 stars). 5 submissions from 5 submitters: Benign (2); Likely benign (2). 1 of the submissions does not count toward it. Last evaluated 2026-01-11.

Allele frequency attached by ClinVar (database versions not stated): gnomAD exomes 0.00012 and 0.00035; ExAC 0.00050; gnomAD 0.00126 and 0.00131; TOPMed 0.00138; ESP Exome Variant Server 0.00177; 1000 Genomes Project 30x 0.00203; 1000 Genomes Project 0.00220.
gnomAD v4.1: 367 of 1,574,416 alleles (0.023%); highest among the groups gnomAD compares: African/African-American, 0.46%; 3 homozygotes.

Submissions (5):

Labcorp Genetics (formerly Invitae), Labcorp
Classification: Benign. Last evaluated: 2026-01-11. Review status: criteria provided, single submitter. Criteria: Invitae Variant Classification Sherloc (09022015). Collection method: clinical testing. Allele origin: germline.

Women's Health and Genetics/Laboratory Corporation of America, LabCorp
Classification: Benign. Last evaluated: 2024-04-25. Review status: criteria provided, single submitter. Criteria: LabCorp Variant Classification Summary - May 2015. Collection method: clinical testing. Allele origin: germline.
Comment: Variant summary: KIF14 c.1860A>G alters a conserved nucleotide resulting in a synonymous change. Consensus agreement among computation tools predict no significant impact on normal splicing. However, these predictions have yet to be confirmed by functional studies. The variant allele was found at a frequency of 0.00035 in 250042 control chromosomes in the gnomAD database, including 1 homozygotes. The observed variant frequency within African or African-American control individuals in the gnomAD database is above the estimated maximal expected allele frequency for a pathogenic variant in KIF14 causing Microcephaly 20, Primary, Autosomal Recessive phenotype, strongly suggesting that the variant is a benign polymorphism found primarily in populations of African or African-American origin. To our knowledge, no occurrence of c.1860A>G in individuals affected with Microcephaly 20, Primary, Autosomal Recessive and no experimental evidence demonstrating its impact on protein function have been reported. ClinVar contains an entry for this variant (Variation ID: 739969). Based on the evidence outlined above, the variant was classified as benign.

CeGaT Center for Human Genetics Tuebingen
Classification: Likely benign. Last evaluated: 2023-09-01. Review status: criteria provided, single submitter. Criteria: CeGaT Center For Human Genetics Tuebingen Variant Classification Criteria Version 2. Collection method: clinical testing. Allele origin: germline. Affected: yes. Observed: 1 variant allele.
Comment: KIF14: BP4, BP7

Blueprint Genetics
Classification: Likely benign. Last evaluated: 2023-08-04. Review status: criteria provided, single submitter. Criteria: ACMG Guidelines, 2015. Collection method: clinical testing. Allele origin: germline.

Genetic Services Laboratory, University of Chicago
Classification: Likely benign. Last evaluated: 2022-09-13. Review status: no assertion criteria provided. Collection method: clinical testing. Allele origin: germline. Affected: no. Not counted in ClinVar's aggregate classification.